The following is an entry in ClinVar:

NM_002485.5(NBN):c.2235-8C>T

Gene: NBN (nibrin; minus strand). Cytogenetic location: 8q21.3.
Variant type: single nucleotide variant.
Coding change: c.2235-8C>T on transcript NM_002485.5 (MANE Select); 8 bases into the intron before coding-DNA position 2235, C replaced by T.
Molecular consequence: intron variant.
Genome position (GRCh38, 1-based): chr8:89,935,620, G>A on the plus strand (C>T on the coding strand, the complement: NBN is on the minus strand). VCF-style: chr8-89935620-G-A. GRCh37 (hg19) VCF-style: chr8-90947848-G-A.
Other names: c.1989-8C>T (NM_001024688.3).
Identifiers: ClinVar variation 416883 (VCV000416883.15), dbSNP rs369037495, ClinGen allele CA4802565.

ClinVar aggregate classification (germline): Conflicting classifications of pathogenicity. Review status: criteria provided, conflicting classifications (1 of 4 stars). 3 submissions from 3 submitters: Uncertain significance (1); Likely benign (2). Last evaluated 2026-01-13.

Conditions:
Microcephaly, normal intelligence and immunodeficiency (NBS). Also called: Nijmegen breakage syndrome; Microcephaly with normal intelligence immunodeficiency and lymphoreticular malignancies; Nonsyndromal microcephaly autosomal recessive with normal intelligence; Seemanova syndrome 2; Immunodeficiency, microcephaly with normal intelligence; BERLIN BREAKAGE SYNDROME. Identifiers: Orphanet 647, MedGen C0398791, MONDO:0009623, OMIM 251260.

Allele frequency attached by ClinVar (database versions not stated): ExAC 0.00001; gnomAD 0.00001; gnomAD exomes 0.00001; TOPMed 0.00001; ESP Exome Variant Server 0.00015.
gnomAD v4.1: 9 of 1,605,382 alleles (0.00056%); highest among the groups gnomAD compares: Non-Finnish European, 0.00077%; no homozygotes.

Submissions (3):

Labcorp Genetics (formerly Invitae), Labcorp
Classification: Likely benign for Microcephaly, normal intelligence and immunodeficiency. Last evaluated: 2026-01-13. Review status: criteria provided, single submitter. Criteria: Invitae Variant Classification Sherloc (09022015). Collection method: clinical testing. Allele origin: germline.

Women's Health and Genetics/Laboratory Corporation of America, LabCorp
Classification: Uncertain significance. Last evaluated: 2025-01-15. Review status: criteria provided, single submitter. Criteria: LabCorp Variant Classification Summary - May 2015. Collection method: clinical testing. Allele origin: germline.

GeneDx
Classification: Likely benign. Last evaluated: 2018-01-10. Review status: criteria provided, single submitter. Criteria: GeneDx Variant Classification (06012015). Collection method: clinical testing. Allele origin: germline. Affected: yes.
Comment: This variant is considered likely benign or benign based on one or more of the following criteria: it is a conservative change, it occurs at a poorly conserved position in the protein, it is predicted to be benign by multiple in silico algorithms, and/or has population frequency not consistent with disease.